The following is an entry in ClinVar:

ClinVar aggregate classification (germline): Uncertain significance (1 of 4 stars; one submission).

Submission:

Women's Health and Genetics/Laboratory Corporation of America, LabCorp
Classification: Uncertain significance. Last evaluated: 2020-09-09. Review status: criteria provided, single submitter. Criteria: LabCorp Variant Classification Summary - May 2015. Collection method: clinical testing. Allele origin: germline.
Comment: Variant summary: ZFPM1 c.1331_1333delAGC (p.Glu444_Pro445delinsAla) results in an in-frame deletion of 2 amino acids with the insertion of a new amino acid. The variant was absent in 23224 control chromosomes (gnomAD), however it is located to a polymorphic region, where it is in overlap with a frequent in-frame deletion-insertion variant (that seems to be the major allele for this region). To our knowledge, no occurrence of c.1331_1333delAGC in individuals affected with ZFPM1-Related Disorders and no experimental evidence demonstrating its impact on protein function have been reported. No clinical diagnostic laboratories have submitted clinical-significance assessments for this variant to ClinVar after 2014. Based on the evidence outlined above, the variant was classified as uncertain significance.

NM_153813.3(ZFPM1):c.1331_1333del (p.Glu444_Pro445delinsAla)

Gene: ZFPM1 (zinc finger protein, FOG family member 1; plus strand). Cytogenetic location: 16q24.2.
Variant type: Deletion.
Coding change: c.1331_1333del on transcript NM_153813.3 (MANE Select); coding-DNA positions 1331 to 1333, 3 bases deleted (AGC; older notation c.1331_1333delAGC).
Protein change: p.Glu444_Pro445delinsAla.
Molecular consequence: inframe indel.
Genome position (GRCh38, 1-based): chr16:88,533,289-88,533,291, AGC deleted. VCF-style (leftmost placement, unchanged base first): chr16-88533288-GAGC-G. GRCh37 (hg19) VCF-style: chr16-88599696-GAGC-G.
Identifiers: ClinVar variation 981064 (VCV000981064.1), dbSNP rs1912951056, ClinGen allele CA1139664877.